The following is an entry in ClinVar:

NM_000202.8(IDS):c.776T>G (p.Leu259Arg)

Genes: IDS (iduronate 2-sulfatase; minus strand), LOC106050102 (IDS recombination region; plus strand). Cytogenetic location: Xq28.
Variant type: single nucleotide variant.
Coding change: c.776T>G on transcript NM_000202.8 (MANE Select); coding-DNA position 776, T replaced by G.
Protein change: p.Leu259Arg; replaces leucine 259 with arginine.
Molecular consequence: missense variant. On other transcripts: non-coding transcript variant (1).
Genome position (GRCh38, 1-based): chrX:149,496,449, A>C on the plus strand (T>G on the coding strand, the complement: IDS is on the minus strand). VCF-style: chrX-149496449-A-C. GRCh37 (hg19) VCF-style: chrX-148577980-A-C.
Other names: c.506T>G, p.Leu169Arg (NM_001166550.4); c.776T>G, p.Leu259Arg (NM_006123.5); short protein forms L169R, L259R.
Identifiers: ClinVar variation 3255833 (VCV003255833.2).

ClinVar aggregate classification (germline): Likely pathogenic (1 of 4 stars; one submission).

Conditions:
Mucopolysaccharidosis, MPS-II (MPS2). Also called: Hunter Syndrome; IDURONATE 2-SULFATASE DEFICIENCY; Mucopolysaccharidosis Type II; Mucopolysaccharidosis type 2; Attenuated MPS (subtype; formerly known as mild MPS II); Severe MPS II. Identifiers: Orphanet 580, Orphanet 79388, MedGen C0026705, MONDO:0010674, OMIM 309900.

Submission:

Laboratory of Diagnosis and Therapy of Lysosomal Disorders, University of Padova
Classification: Likely pathogenic for Mucopolysaccharidosis, MPS-II. Last evaluated: 2024-06-07. Review status: criteria provided, single submitter. Criteria: ACMG Guidelines, 2015. Collection method: literature only. Allele origin: germline. Affected: yes. Observed: 1 variant allele.
Comment: Absent from controls (or at low frequency) in gnomAD database (PM2_Moderate), Missense variant in a gene with a low rate of benign missense variation (PP2_Supporting), Multiple lines of computational evidence support a deleterious effect (PP3_Supporting), Patient’s phenotype or family history highly specific for the disease (PP4_Strong)

Classification method: ACMG Guidelines [PMID:25741868] with modifications

Literature cited by the submitters: PubMed 31991612.